The following is an entry in ClinVar:

ClinVar aggregate classification (germline): Uncertain significance. Review status: criteria provided, multiple submitters, no conflicts (2 of 4 stars). 2 submissions from 2 submitters: Uncertain significance (2). Last evaluated 2024-04-16.

Conditions:
Inborn genetic diseases. Identifiers: MedGen C0950123, MeSH D030342.

Allele frequency attached by ClinVar (database versions not stated): ExAC 0.00002; gnomAD 0.00002; TOPMed 0.00002.
gnomAD v4.1: 43 of 1,614,078 alleles (0.0027%); highest among the groups gnomAD compares: Non-Finnish European, 0.0031%; no homozygotes.

Submissions (2):

Ambry Genetics
Classification: Uncertain significance for Inborn genetic diseases. Last evaluated: 2024-04-16. Review status: criteria provided, single submitter. Criteria: Ambry Variant Classification Scheme 2023. Collection method: clinical testing. Allele origin: germline.

Labcorp Genetics (formerly Invitae), Labcorp
Classification: Uncertain significance. Last evaluated: 2022-04-08. Review status: criteria provided, single submitter. Criteria: Invitae Variant Classification Sherloc (09022015). Collection method: clinical testing. Allele origin: germline.
Comment: This sequence change replaces alanine, which is neutral and non-polar, with threonine, which is neutral and polar, at codon 2997 of the LAMA1 protein (p.Ala2997Thr). This variant is present in population databases (rs777813445, gnomAD 0.008%). This variant has not been reported in the literature in individuals affected with LAMA1-related conditions. Algorithms developed to predict the effect of missense changes on protein structure and function output the following: SIFT: "Tolerated"; PolyPhen-2: "Benign"; Align-GVGD: "Class C0". The threonine amino acid residue is found in multiple mammalian species, which suggests that this missense change does not adversely affect protein function. In summary, the available evidence is currently insufficient to determine the role of this variant in disease. Therefore, it has been classified as a Variant of Uncertain Significance.

NM_005559.4(LAMA1):c.8989G>A (p.Ala2997Thr)

Gene: LAMA1 (laminin subunit alpha 1; minus strand). Cytogenetic location: 18p11.31.
Variant type: single nucleotide variant.
Coding change: c.8989G>A on transcript NM_005559.4 (MANE Select); coding-DNA position 8989, G replaced by A.
Protein change: p.Ala2997Thr; replaces alanine 2997 with threonine.
Molecular consequence: missense variant.
Genome position (GRCh38, 1-based): chr18:6,943,258, C>T on the plus strand (G>A on the coding strand, the complement: LAMA1 is on the minus strand). VCF-style: chr18-6943258-C-T. GRCh37 (hg19) VCF-style: chr18-6943257-C-T.
Other names: c.8989G>A (NM_005559.3); short protein forms A2997T.
Identifiers: ClinVar variation 1951205 (VCV001951205.6), dbSNP rs777813445, ClinGen allele CA8880289.